The following is an entry in ClinVar:

NM_032578.4(MYPN):c.3490G>T (p.Val1164Leu)

Gene: MYPN (myopalladin; plus strand). Cytogenetic location: 10q21.3.
Variant type: single nucleotide variant.
Coding change: c.3490G>T on transcript NM_032578.4 (MANE Select); coding-DNA position 3490, G replaced by T.
Protein change: p.Val1164Leu; replaces valine 1164 with leucine.
Molecular consequence: missense variant. On other transcripts: non-coding transcript variant (2).
Genome position (GRCh38, 1-based): chr10:68,199,572, G>T. VCF-style: chr10-68199572-G-T. GRCh37 (hg19) VCF-style: chr10-69959329-G-T.
Other names: c.3490G>T, p.Val1164Leu (NM_001256267.2); c.2608G>T, p.Val870Leu (NM_001256268.2); short protein forms V1164L, V870L.
Identifiers: ClinVar variation 1731935 (VCV001731935.5), dbSNP rs905889733, ClinGen allele CA208226244.

ClinVar aggregate classification (germline): Uncertain significance. Review status: criteria provided, multiple submitters, no conflicts (2 of 4 stars). 2 submissions from 2 submitters: Uncertain significance (2). Last evaluated 2026-08-28.

Conditions:
MYPN-related disorder. Also called: MYPN-related condition.
Cardiovascular phenotype. Identifiers: MedGen CN230736.

Allele frequency attached by ClinVar (database versions not stated): gnomAD exomes below 0.00001; TOPMed 0.00001; gnomAD 0.00002.
gnomAD v4.1: 4 of 1,592,462 alleles (0.00025%); highest among the groups gnomAD compares: African/African-American, 0.0056%; no homozygotes.

Submissions (2):

PreventionGenetics, part of Exact Sciences
Classification: Uncertain significance for MYPN-related condition. Last evaluated: 2026-08-28. Review status: criteria provided, single submitter. Criteria: ACMG Guidelines, 2015. Collection method: clinical testing. Allele origin: germline.
Comment: The MYPN c.3490G>T variant is predicted to result in the amino acid substitution p.Val1164Leu. To our knowledge, this variant has not been reported in the literature or in a large population database (gnomAD), indicating this variant is rare. At this time, the clinical significance of this variant is uncertain due to the absence of conclusive functional and genetic evidence.

Ambry Genetics
Classification: Uncertain significance for Cardiovascular phenotype. Last evaluated: 2025-07-21. Review status: criteria provided, single submitter. Criteria: Ambry Variant Classification Scheme 2023. Collection method: clinical testing. Allele origin: germline.
Comment: The p.V1164L variant (also known as c.3490G>T), located in coding exon 16 of the MYPN gene, results from a G to T substitution at nucleotide position 3490. The valine at codon 1164 is replaced by leucine, an amino acid with highly similar properties. This amino acid position is conserved. In addition, this alteration is predicted to be tolerated by in silico analysis. Since supporting evidence is limited at this time, the clinical significance of this alteration remains unclear.